The following is an entry in ClinVar:

ClinVar aggregate classification (germline): Uncertain significance (1 of 4 stars; one submission).

Submission:

Labcorp Genetics (formerly Invitae), Labcorp
Classification: Uncertain significance. Last evaluated: 2025-12-25. Review status: criteria provided, single submitter. Criteria: Invitae Variant Classification Sherloc (09022015). Collection method: clinical testing. Allele origin: germline.
Comment: This variant, c.6870_6872del, results in the deletion of 1 amino acid(s) of the WDR87 protein (p.Lys2292del), but otherwise preserves the integrity of the reading frame. The frequency data for this variant in the population databases is considered unreliable, as metrics indicate poor data quality at this position in the gnomAD database. This variant has not been reported in the literature in individuals affected with WDR87-related conditions. Experimental studies and prediction algorithms are not available or were not evaluated, and the functional significance of this variant is currently unknown. In summary, the available evidence is currently insufficient to determine the role of this variant in disease. Therefore, it has been classified as a Variant of Uncertain Significance.

NM_001291088.2(WDR87):c.6975GAA[4] (p.Lys2331del)

Gene: WDR87 (WD repeat domain 87; minus strand). Cytogenetic location: 19q13.13.
Variant type: Microsatellite.
Coding change: c.6975GAA[4] on transcript NM_001291088.2 (MANE Select); four copies in a row of the 3-base unit GAA starting at c.6975; the reference has five copies in a row; one copy, 3 bases deleted.
Protein change: p.Lys2331del; deletes lysine 2331.
Molecular consequence: inframe deletion.
Genome position (GRCh38, 1-based): chr19:37,886,682-37,886,684, TTC deleted on the plus strand (GAA on the coding strand, the reverse complement: WDR87 is on the minus strand); deleting any 3 consecutive bases within chr19:37,886,682-37,886,697 gives the same sequence; the position shown is the placement nearest the transcript's 3' end. VCF-style (leftmost placement, unchanged base first): chr19-37886681-TTTC-T. GRCh37 (hg19) VCF-style: chr19-38377321-TTTC-T.
Other names: c.6858GAA[4], p.Lys2292del (NM_031951.5); short protein forms K2331del, K2292del.
Identifiers: ClinVar variation 2042839 (VCV002042839.4), dbSNP rs373442328, ClinGen allele CA9408453.